The following is an entry in ClinVar:

NM_001005242.3(PKP2):c.1379-2063T>G

Gene: PKP2 (plakophilin 2; minus strand). Cytogenetic location: 12p11.21.
Variant type: single nucleotide variant.
Coding change: c.1379-2063T>G on transcript NM_001005242.3 (MANE Select); 2063 bases into the intron before coding-DNA position 1379, T replaced by G.
Molecular consequence: intron variant. On other transcripts: missense variant (2).
Genome position (GRCh38, 1-based): chr12:32,843,268, A>C on the plus strand (T>G on the coding strand, the complement: PKP2 is on the minus strand). VCF-style: chr12-32843268-A-C. GRCh37 (hg19) VCF-style: chr12-32996202-A-C.
Other names: c.1424T>G, p.Val475Gly (NM_001407157.1, NM_004572.4); c.1379-2063T>G (NM_001407156.1, NM_001407155.1, NM_001407161.1); c.1052-2063T>G (NM_001407160.1, NM_001407159.1, NM_001407158.1 and 1 more transcripts); short protein forms V475G.
Identifiers: ClinVar variation 3387481 (VCV003387481.2).

ClinVar aggregate classification (germline): Uncertain significance. Review status: criteria provided, multiple submitters, no conflicts (2 of 4 stars). 2 submissions from 2 submitters: Uncertain significance (2). Last evaluated 2024-11-17.

Conditions:
Arrhythmogenic right ventricular cardiomyopathy (ARVD). Also called: Arrhythmogenic right ventricular dysplasia; Cardiomyopathy, ARVC; Arrhythmogenic cardiomyopathy; Arrhythmogenic Right Ventricular Cardiomyopathy (ARVC). Identifiers: Orphanet 247, MedGen C0349788, MeSH D019571, MONDO:0016587. Disease mechanism: loss of function. Inheritance: Various modes of inheritance.
Cardiovascular phenotype. Identifiers: MedGen CN230736.

gnomAD v4.1: 6 of 1,321,068 alleles (0.00045%); highest among the groups gnomAD compares: South Asian, 0.0069%; 1 homozygote.

Submissions (2):

Ambry Genetics
Classification: Uncertain significance for Cardiovascular phenotype. Last evaluated: 2024-11-17. Review status: criteria provided, single submitter. Criteria: Ambry Variant Classification Scheme 2023. Collection method: clinical testing. Allele origin: germline.
Comment: The p.V475G variant (also known as c.1424T>G), located in coding exon 6 of the PKP2 gene, results from a T to G substitution at nucleotide position 1424. The valine at codon 475 is replaced by glycine, an amino acid with dissimilar properties. This amino acid position is conserved. In addition, this alteration is predicted to be tolerated by in silico analysis. Based on the available evidence, the clinical significance of this variant remains unclear.

All of Us Research Program, National Institutes of Health
Classification: Uncertain significance for Arrhythmogenic right ventricular cardiomyopathy. Last evaluated: 2024-04-25. Review status: criteria provided, single submitter. Criteria: ACMG Guidelines, 2015. Collection method: clinical testing. Allele origin: germline. Inheritance: Autosomal dominant inheritance. Observed: 1 variant allele, 1 heterozygote.
Comment: This missense variant replaces valine with glycine at codon 475 of the PKP2 protein. Computational prediction suggests that this variant may not impact protein structure and function (internally defined REVEL score threshold <= 0.5, PMID: 27666373). To our knowledge, functional studies have not been reported for this variant. This variant has not been reported in individuals affected with PKP2-related disorders in the literature. This variant has been identified in 5/243604 chromosomes in the general population by the Genome Aggregation Database (gnomAD). The available evidence is insufficient to determine the role of this variant in disease conclusively. Therefore, this variant is classified as a Variant of Uncertain Significance.

This study involves interpretation of variants in research participants for the purpose of population health screening. Participant phenotype was not available at the time of variant classification. Additional details can be found in publication PMID: 35346344, PMCID: PMC8962531